The following is an entry in ClinVar:

NM_025137.4(SPG11):c.664A>G (p.Ile222Val)

Gene: SPG11 (SPG11 vesicle trafficking associated, spatacsin; minus strand). Cytogenetic location: 15q21.1.
Variant type: single nucleotide variant.
Coding change: c.664A>G on transcript NM_025137.4 (MANE Select); coding-DNA position 664, A replaced by G.
Protein change: p.Ile222Val; replaces isoleucine 222 with valine.
Molecular consequence: missense variant.
Genome position (GRCh38, 1-based): chr15:44,659,082, T>C on the plus strand (A>G on the coding strand, the complement: SPG11 is on the minus strand). VCF-style: chr15-44659082-T-C. GRCh37 (hg19) VCF-style: chr15-44951280-T-C.
Other names: c.664A>G, p.Ile222Val (NM_001160227.2, NM_001411132.1); short protein forms I222V.
Identifiers: ClinVar variation 4990638 (VCV004990638.1).

ClinVar aggregate classification (germline): Uncertain significance (1 of 4 stars; one submission).

Conditions:
SPG11-related disorder. Also called: SPG11-related condition.

gnomAD v4.1: 6 of 1,613,886 alleles (0.00037%); highest among the groups gnomAD compares: Non-Finnish European, 0.00051%; no homozygotes.

Submission:

PreventionGenetics, part of Exact Sciences
Classification: Uncertain significance for SPG11-related condition. Last evaluated: 2026-05-05. Review status: criteria provided, single submitter. Criteria: ACMG Guidelines, 2015. Collection method: clinical testing. Allele origin: germline.
Comment: The SPG11 c.664A>G variant is predicted to result in the amino acid substitution p.Ile222Val. To our knowledge, this variant has not been reported in the literature. This variant is reported in 0.00088% of alleles in individuals of European (Non-Finnish) descent in gnomAD. At this time, the clinical significance of this variant is uncertain due to the absence of conclusive functional and genetic evidence.